The following is an entry in ClinVar:

ClinVar aggregate classification (germline): Benign. Review status: criteria provided, multiple submitters, no conflicts (2 of 4 stars). 18 submissions from 17 submitters: Benign (14). 4 of the submissions do not count toward it. Last evaluated 2026-02-04.

Conditions:
Left ventricular noncompaction 10 (LVNC10). Identifiers: Orphanet 154, Orphanet 54260, MedGen C3715165, MONDO:0014163, OMIM 615396.
Cardiomyopathy (CMYO). Also called: Cardiomyopathies. Identifiers: Orphanet 167848, MedGen C0878544, MONDO:0004994, HP:0001638. Inheritance: Various modes of inheritance.
Hypertrophic cardiomyopathy 4. Also called: Familial hypertrophic cardiomyopathy 4. Identifiers: MedGen C1861862, MONDO:0007268, OMIM 115197.
Hypertrophic cardiomyopathy. Also called: HYPERTROPHIC MYOCARDIOPATHY. Identifiers: Orphanet 217569, MedGen C0007194, MeSH D002312, MONDO:0005045, HP:0001639.

Submissions (18):

Labcorp Genetics (formerly Invitae), Labcorp
Classification: Benign for Hypertrophic cardiomyopathy. Last evaluated: 2026-02-04. Review status: criteria provided, single submitter. Criteria: Invitae Variant Classification Sherloc (09022015). Collection method: clinical testing. Allele origin: germline.

ARUP Laboratories, Molecular Genetics and Genomics, ARUP Laboratories
Classification: Benign. Last evaluated: 2025-07-28. Review status: criteria provided, single submitter. Criteria: ARUP Molecular Germline Variant Investigation Process 2024. Collection method: clinical testing. Allele origin: germline.

Molecular Diagnostic Laboratory for Inherited Cardiovascular Disease, Montreal Heart Institute
Classification: Benign. Last evaluated: 2025-04-09. Review status: criteria provided, single submitter. Criteria: ACMG Guidelines, 2015. Collection method: clinical testing. Allele origin: germline. Affected: no.
Comment: BA1

Blueprint Genetics
Classification: Benign. Last evaluated: 2024-11-27. Review status: criteria provided, single submitter. Criteria: ACMG Guidelines, 2015. Collection method: clinical testing. Allele origin: germline.

Genome-Nilou Lab
Classification: Benign for Left ventricular noncompaction 10. Last evaluated: 2021-09-05. Review status: criteria provided, single submitter. Criteria: ACMG Guidelines, 2015. Collection method: clinical testing. Allele origin: germline. Affected: no.

Genome-Nilou Lab
Classification: Benign for Hypertrophic cardiomyopathy 4. Last evaluated: 2021-09-05. Review status: criteria provided, single submitter. Criteria: ACMG Guidelines, 2015. Collection method: clinical testing. Allele origin: germline. Affected: no.

GeneDx
Classification: Benign. Last evaluated: 2018-06-12. Review status: criteria provided, single submitter. Criteria: GeneDx Variant Classification Process June 2021. Collection method: clinical testing. Allele origin: germline. Affected: yes.
Comment: This variant is associated with the following publications: (PMID: 32841044)

Color Diagnostics, LLC DBA Color Health
Classification: Benign for Cardiomyopathy. Last evaluated: 2018-04-08. Review status: criteria provided, single submitter. Criteria: ACMG Guidelines, 2015. Collection method: clinical testing. Allele origin: germline.

Clinical Genetics DNA and cytogenetics Diagnostics Lab, Erasmus MC, Erasmus Medical Center
Classification: Benign for Hypertrophic cardiomyopathy 4. Last evaluated: 2015-09-21. Review status: criteria provided, single submitter. Criteria: ACGS Guidelines, 2013. Collection method: clinical testing. Allele origin: germline. Affected: yes. Study: VKGL Data-share Consensus.

Mayo Clinic Laboratories, Mayo Clinic
Classification: Benign. Last evaluated: 2015-03-19. Review status: criteria provided, single submitter. Criteria: ACMG Guidelines, 2015. Collection method: clinical testing. Allele origin: germline. Observed: 583 variant alleles.

Eurofins Ntd Llc (ga)
Classification: Benign. Last evaluated: 2015-02-05. Review status: criteria provided, single submitter. Criteria: EGL Classification Definitions 2015. Collection method: clinical testing. Allele origin: germline. Observed: 2 variant alleles, 1 heterozygote, 1 homozygote.

Genome Diagnostics Laboratory, University Medical Center Utrecht
Classification: Benign for Hypertrophic cardiomyopathy 4. Last evaluated: 2014-10-09. Review status: criteria provided, single submitter. Criteria: ACGS Guidelines, 2013. Collection method: clinical testing. Allele origin: germline. Affected: yes. Study: VKGL Data-share Consensus.

Laboratory for Molecular Medicine, Mass General Brigham Personalized Medicine
Classification: Benign. Last evaluated: 2011-07-20. Review status: criteria provided, single submitter. Criteria: LMM Criteria. Collection method: clinical testing. Allele origin: germline. Observed: 2,077 variant alleles.

PreventionGenetics, part of Exact Sciences
Classification: Benign. Review status: criteria provided, single submitter. Criteria: ACMG Guidelines, 2015. Collection method: clinical testing. Allele origin: germline.

Cohesion Phenomics
Classification: Benign for Cardiomyopathy. Last evaluated: 2022-10-10. Review status: no assertion criteria provided. Criteria: ACMG Guidelines, 2015. Collection method: clinical testing. Allele origin: germline. Affected: yes. Not counted in ClinVar's aggregate classification.

Clinical Genetics, Academic Medical Center
Classification: Benign. Review status: no assertion criteria provided. Collection method: clinical testing. Allele origin: germline. Affected: yes. Study: VKGL Data-share Consensus. Not counted in ClinVar's aggregate classification.

Diagnostic Laboratory, Department of Genetics, University Medical Center Groningen
Classification: Benign for Hypertrophic cardiomyopathy 4. Review status: no assertion criteria provided. Collection method: clinical testing. Allele origin: germline. Affected: yes. Study: VKGL Data-share Consensus. Not counted in ClinVar's aggregate classification.

Joint Genome Diagnostic Labs from Nijmegen and Maastricht, Radboudumc and MUMC+
Classification: Benign. Review status: no assertion criteria provided. Collection method: clinical testing. Allele origin: germline. Affected: yes. Study: VKGL Data-share Consensus. Not counted in ClinVar's aggregate classification.

NC_000011.10:g.47349937del

Gene: MYBPC3 (myosin binding protein C3; minus strand). Cytogenetic location: 11p11.2.
Variant type: Deletion.
Molecular consequence: intron variant (on NM_000256.3).
Genome position: GRCh38 VCF-style: chr11-47349933-AG-A. GRCh37 (hg19) VCF-style: chr11-47371484-AG-A.
Other names: c.506-12del (NM_000256.3); c.506-15delC (NM_000256.3); c.506-15del (NM_000256.3); c.506-12delC (NM_000256.3).
Identifiers: ClinVar variation 42763 (VCV000042763.45), dbSNP rs11570050, ClinGen allele CA015304.